The following is an entry in ClinVar:

NM_000297.4(PKD2):c.496A>T (p.Ser166Cys)

Genes: PKD2 (polycystin 2, transient receptor potential cation channel; plus strand), LOC129992813 (ATAC-STARR-seq lymphoblastoid silent region 15559; plus strand). Cytogenetic location: 4q22.1.
Variant type: single nucleotide variant.
Coding change: c.496A>T on transcript NM_000297.4 (MANE Select); coding-DNA position 496, A replaced by T.
Protein change: p.Ser166Cys; replaces serine 166 with cysteine.
Molecular consequence: missense variant. On other transcripts: non-coding transcript variant (1).
Genome position (GRCh38, 1-based): chr4:88,008,229, A>T. VCF-style: chr4-88008229-A-T. GRCh37 (hg19) VCF-style: chr4-88929381-A-T.
Other names: c.496A>T (NM_000297.3); short protein forms S166C.
Identifiers: ClinVar variation 1895523 (VCV001895523.7), dbSNP rs973104815, ClinGen allele CA100873286.

ClinVar aggregate classification (germline): Uncertain significance. Review status: criteria provided, multiple submitters, no conflicts (2 of 4 stars). 3 submissions from 3 submitters: Uncertain significance (3). Last evaluated 2026-04-01.

Conditions:
PKD2-related disorder. Also called: PKD2-related condition.
Autosomal dominant polycystic kidney disease. Identifiers: Orphanet 730, MedGen C0085413, MONDO:0004691.

Allele frequency attached by ClinVar (database versions not stated): TOPMed 0.00001.
gnomAD v4.1: 25 of 1,439,928 alleles (0.0017%); highest among the groups gnomAD compares: Non-Finnish European, 0.0019%; no homozygotes.

Submissions (3):

PreventionGenetics, part of Exact Sciences
Classification: Uncertain significance for PKD2-related condition. Last evaluated: 2026-04-01. Review status: criteria provided, single submitter. Criteria: ACMG Guidelines, 2015. Collection method: clinical testing. Allele origin: germline.
Comment: The PKD2 c.496A>T variant is predicted to result in the amino acid substitution p.Ser166Cys. To our knowledge, this variant has not been reported in the literature or in the population database (gnomAD), indicating it is rare. At this time, the clinical significance of this variant is uncertain due to the absence of conclusive functional and genetic evidence.

Blueprint Genetics
Classification: Uncertain significance. Last evaluated: 2024-10-02. Review status: criteria provided, single submitter. Criteria: ACMG Guidelines, 2015. Collection method: clinical testing. Allele origin: germline.

Labcorp Genetics (formerly Invitae), Labcorp
Classification: Uncertain significance for Autosomal dominant polycystic kidney disease. Last evaluated: 2022-10-24. Review status: criteria provided, single submitter. Criteria: Invitae Variant Classification Sherloc (09022015). Collection method: clinical testing. Allele origin: germline.
Comment: This sequence change replaces serine, which is neutral and polar, with cysteine, which is neutral and slightly polar, at codon 166 of the PKD2 protein (p.Ser166Cys). In summary, the available evidence is currently insufficient to determine the role of this variant in disease. Therefore, it has been classified as a Variant of Uncertain Significance. Algorithms developed to predict the effect of missense changes on protein structure and function are either unavailable or do not agree on the potential impact of this missense change (SIFT: "Tolerated"; PolyPhen-2: "Possibly Damaging"; Align-GVGD: "Class C0"). This variant has not been reported in the literature in individuals affected with PKD2-related conditions. This variant is present in population databases (no rsID available, gnomAD 0.003%).